The following is an entry in ClinVar:

ClinVar aggregate classification (germline): Benign (1 of 4 stars; one submission).

Conditions:
Neurofibromatosis, type 1 (NF1). Also called: VON RECKLINGHAUSEN DISEASE; NEUROFIBROMATOSIS, TYPE I, SOMATIC; Peripheral type neurofibromatosis; Neurofibromatosis, type I. Identifiers: Orphanet 636, MedGen C0027831, MONDO:0018975, OMIM 162200. Disease mechanism: loss of function.

Submission:

Myriad Genetics, Inc.
Classification: Benign for Neurofibromatosis, type 1. Last evaluated: 2026-09-23. Review status: criteria provided, single submitter. Criteria: Myriad Autosomal Dominant, Autosomal Recessive and X-Linked Classification Criteria (2023). Collection method: clinical testing. Allele origin: unknown.
Comment: This variant is considered benign. This variant is a silent/synonymous amino acid change and it is not expected to impact splicing.

NM_001042492.3(NF1):c.8199G>A (p.Lys2733=)

Gene: NF1 (neurofibromin 1; plus strand). Cytogenetic location: 17q11.2.
Variant type: single nucleotide variant.
Coding change: c.8199G>A on transcript NM_001042492.3 (MANE Select); coding-DNA position 8199, G replaced by A.
Protein change: p.Lys2733=; no amino-acid change (lysine 2733 retained).
Molecular consequence: synonymous variant.
Genome position (GRCh38, 1-based): chr17:31,360,525, G>A. VCF-style: chr17-31360525-G-A. GRCh37 (hg19) VCF-style: chr17-29687543-G-A.
Other names: c.8136G>A, p.Lys2712= (NM_000267.4).
Identifiers: ClinVar variation 5042251 (VCV005042251.1).